The following is an entry in ClinVar:

NM_000535.7(PMS2):c.178G>T (p.Asp60Tyr)

Gene: PMS2 (PMS1 homolog 2, mismatch repair system component; minus strand). Cytogenetic location: 7p22.1.
Variant type: single nucleotide variant.
Coding change: c.178G>T on transcript NM_000535.7 (MANE Select); coding-DNA position 178, G replaced by T.
Protein change: p.Asp60Tyr; replaces aspartic acid 60 with tyrosine.
Molecular consequence: missense variant. On other transcripts: 5 prime UTR variant (11), non-coding transcript variant (1).
Genome position (GRCh38, 1-based): chr7:6,004,044, C>A on the plus strand (G>T on the coding strand, the complement: PMS2 is on the minus strand). VCF-style: chr7-6004044-C-A. GRCh37 (hg19) VCF-style: chr7-6043675-C-A.
Other names: c.-228G>T (NM_001322003.2, NM_001322004.2, NM_001322005.2 and 3 more transcripts); c.178G>T, p.Asp60Tyr (NM_001322006.2, NM_001322014.2); c.-38G>T (NM_001322007.2, NM_001322008.2); c.-707G>T (NM_001322011.2, NM_001322012.2); c.-307G>T (NM_001322015.2); short protein forms D60Y.
Identifiers: ClinVar variation 142009 (VCV000142009.11), dbSNP rs587782176, ClinGen allele CA010257.
Genomic context (GRCh38, chr7:6,004,044, plus strand): 5'-AGTTTTCTTCTTCTACCCCACATCCATTGTCTGAAACTTCAATAAGATCCACTCCATAGT[C>A]CTTAAGCTTTAGATCTAGAAAGTTTAAAATATTTACATATTTATTAAAAACGGACCCATG-3'
Protein context (NP_000526.2, residues 50-70): GATNIDLKLK[Asp60Tyr]YGVDLIEVSD

ClinVar aggregate classification (germline): Uncertain significance. Review status: criteria provided, multiple submitters, no conflicts (2 of 4 stars). 2 submissions from 2 submitters: Uncertain significance (2). Last evaluated 2018-05-03.

Conditions:
Hereditary nonpolyposis colorectal neoplasms. Identifiers: MedGen C0009405, MeSH D003123.
Hereditary cancer-predisposing syndrome. Also called: Neoplastic Syndromes, Hereditary; Tumor predisposition; Hereditary Cancer Syndrome; Hereditary neoplastic syndrome. Identifiers: Orphanet 140162, MedGen C0027672, MeSH D009386, MONDO:0015356.

Submissions (2):

Labcorp Genetics (formerly Invitae), Labcorp
Classification: Uncertain significance for Hereditary nonpolyposis colorectal neoplasms. Last evaluated: 2018-05-03. Review status: criteria provided, single submitter. Criteria: Invitae Variant Classification Sherloc (09022015). Collection method: clinical testing. Allele origin: germline.
Comment: In summary, the available evidence is currently insufficient to determine the role of this variant in disease. Therefore, it has been classified as a Variant of Uncertain Significance. Algorithms developed to predict the effect of missense changes on protein structure and function do not agree on the potential impact of this missense change (SIFT: "Deleterious"; PolyPhen-2: "Probably Damaging"; Align-GVGD: "Class C15"). This variant has not been reported in the literature in individuals with PMS2-related disease. ClinVar contains an entry for this variant (Variation ID: 142009). This variant is not present in population databases (ExAC no frequency). This sequence change replaces aspartic acid with tyrosine at codon 60 of the PMS2 protein (p.Asp60Tyr). The aspartic acid residue is moderately conserved and there is a large physicochemical difference between aspartic acid and tyrosine.

Ambry Genetics
Classification: Uncertain significance for Hereditary cancer-predisposing syndrome. Last evaluated: 2013-09-18. Review status: criteria provided, single submitter. Criteria: Ambry Autosomal Dominant and X-Linked criteria (10/2015). Collection method: clinical testing. Allele origin: germline. Observed: 1 variant allele.
Comment: Ã¢â‚¬â€¹The p.D60Y variant (also known as c.178G>T) is located in coding exon 3 of the PMS2 gene. This alteration results from a G to T substitution at nucleotide position 178. The aspartic acid at codon 60 is replaced by tyrosine, an amino acid with highly dissimilar properties. This variant was not reported in population-based cohorts in the following databases: Database of Single Nucleotide Polymorphisms (dbSNP), NHLBI Exome Sequencing Project (ESP) and 1000 Genomes Project. To date, this alteration has been detected with an allele frequency of approximately 0.01% (greater than 8100 alleles tested) in our clinical cohort (includes this individual). Based on protein sequence alignment, this amino acid position is well conserved in available vertebrate species. In addition, the in silico prediction for this alteration is inconclusive. Since supporting evidence is limited at this time, the clinical significance of p.D60Y remains unclear.